The following is an entry in ClinVar:

ClinVar aggregate classification (germline): Uncertain significance (1 of 4 stars; one submission).

Conditions:
Developmental and epileptic encephalopathy, 54. Also called: Epileptic encephalopathy, early infantile, 54; HNRNPU-Related Neurodevelopmental Disorder. Identifiers: MedGen C4479319, MONDO:0033363, OMIM 617391.

gnomAD v4.1: 59 of 1,613,704 alleles (0.0037%); highest among the groups gnomAD compares: Non-Finnish European, 0.0049%; no homozygotes.

Submission:

Labcorp Genetics (formerly Invitae), Labcorp
Classification: Uncertain significance for Developmental and epileptic encephalopathy, 54. Last evaluated: 2024-03-16. Review status: criteria provided, single submitter. Criteria: Invitae Variant Classification Sherloc (09022015). Collection method: clinical testing. Allele origin: germline.
Comment: This sequence change replaces alanine, which is neutral and non-polar, with aspartic acid, which is acidic and polar, at codon 112 of the HNRNPU protein (p.Ala112Asp). This variant is not present in population databases (gnomAD no frequency). This variant has not been reported in the literature in individuals affected with HNRNPU-related conditions. An algorithm developed to predict the effect of missense changes on protein structure and function (PolyPhen-2) suggests that this variant is likely to be disruptive. In summary, the available evidence is currently insufficient to determine the role of this variant in disease. Therefore, it has been classified as a Variant of Uncertain Significance.

NM_031844.3(HNRNPU):c.335C>A (p.Ala112Asp)

Gene: HNRNPU (heterogeneous nuclear ribonucleoprotein U; minus strand). Cytogenetic location: 1q44.
Variant type: single nucleotide variant.
Coding change: c.335C>A on transcript NM_031844.3 (MANE Select); coding-DNA position 335, C replaced by A.
Protein change: p.Ala112Asp; replaces alanine 112 with aspartic acid.
Molecular consequence: missense variant.
Genome position (GRCh38, 1-based): chr1:244,863,973, G>T on the plus strand (C>A on the coding strand, the complement: HNRNPU is on the minus strand). VCF-style: chr1-244863973-G-T. GRCh37 (hg19) VCF-style: chr1-245027275-G-T.
Other names: c.335C>A, p.Ala112Asp (NM_004501.3); short protein forms A112D.
Identifiers: ClinVar variation 3605174 (VCV003605174.2).